The following is an entry in ClinVar:

ClinVar aggregate classification (germline): Uncertain significance (1 of 4 stars; one submission).

gnomAD v4.1: 1 of 1,614,040 alleles (0.000062%); no homozygotes.

Submission:

Labcorp Genetics (formerly Invitae), Labcorp
Classification: Uncertain significance. Last evaluated: 2022-05-27. Review status: criteria provided, single submitter. Criteria: Invitae Variant Classification Sherloc (09022015). Collection method: clinical testing. Allele origin: germline.
Comment: This variant has not been reported in the literature in individuals affected with ARNT2-related conditions. In summary, the available evidence is currently insufficient to determine the role of this variant in disease. Therefore, it has been classified as a Variant of Uncertain Significance. Algorithms developed to predict the effect of missense changes on protein structure and function output the following: SIFT: "Tolerated"; PolyPhen-2: "Benign"; Align-GVGD: "Class C0". The proline amino acid residue is found in multiple mammalian species, which suggests that this missense change does not adversely affect protein function. This variant is present in population databases (no rsID available, gnomAD 0.003%). This sequence change replaces serine, which is neutral and polar, with proline, which is neutral and non-polar, at codon 530 of the ARNT2 protein (p.Ser530Pro).

NM_014862.4(ARNT2):c.1588T>C (p.Ser530Pro)

Gene: ARNT2 (aryl hydrocarbon receptor nuclear translocator 2; plus strand). Cytogenetic location: 15q25.1.
Variant type: single nucleotide variant.
Coding change: c.1588T>C on transcript NM_014862.4 (MANE Select); coding-DNA position 1588, T replaced by C.
Protein change: p.Ser530Pro; replaces serine 530 with proline.
Molecular consequence: missense variant.
Genome position (GRCh38, 1-based): chr15:80,576,940, T>C. VCF-style: chr15-80576940-T-C. GRCh37 (hg19) VCF-style: chr15-80869281-T-C.
Other names: short protein forms S530P.
Identifiers: ClinVar variation 1965523 (VCV001965523.5), dbSNP rs1156743249, ClinGen allele CA393623933.